The following is an entry in ClinVar:

ClinVar aggregate classification (germline): Benign (1 of 4 stars; one submission).

Conditions:
Multiple endocrine neoplasia, type 1 (MEN1). Also called: MEN I; WERMER SYNDROME; Endocrine adenomatosis multiple; MEN 1; MEA I. Identifiers: Orphanet 652, MedGen C0025267, MeSH D018761, MONDO:0007540, OMIM 131100.

Submission:

Myriad Genetics, Inc.
Classification: Benign for Multiple endocrine neoplasia, type 1. Last evaluated: 2024-10-31. Review status: criteria provided, single submitter. Criteria: Myriad Autosomal Dominant, Autosomal Recessive and X-Linked Classification Criteria (2023). Collection method: clinical testing. Allele origin: unknown.
Comment: This variant is considered benign. This variant is a silent/synonymous amino acid change and it is not expected to impact splicing.

NM_001370259.2(MEN1):c.372C>A (p.Val124=)

Gene: MEN1 (menin 1; minus strand). Cytogenetic location: 11q13.1.
Variant type: single nucleotide variant.
Coding change: c.372C>A on transcript NM_001370259.2 (MANE Select); coding-DNA position 372, C replaced by A.
Protein change: p.Val124=; no amino-acid change (valine 124 retained).
Molecular consequence: synonymous variant. On other transcripts: non-coding transcript variant (4).
Genome position (GRCh38, 1-based): chr11:64,809,738, G>T on the plus strand (C>A on the coding strand, the complement: MEN1 is on the minus strand). VCF-style: chr11-64809738-G-T. GRCh37 (hg19) VCF-style: chr11-64577210-G-T.
Other names: c.372C>A, p.Val124= (NM_000244.4, NM_001370251.2, NM_001370260.2 and 20 more transcripts).
Identifiers: ClinVar variation 3773290 (VCV003773290.1).